The following is an entry in ClinVar:

NM_015087.5(SPART):c.411G>A (p.Gln137=)

Gene: SPART (spartin; minus strand). Cytogenetic location: 13q13.3.
Variant type: single nucleotide variant.
Coding change: c.411G>A on transcript NM_015087.5 (MANE Select); coding-DNA position 411, G replaced by A.
Protein change: p.Gln137=; no amino-acid change (glutamine 137 retained).
Molecular consequence: synonymous variant.
Genome position (GRCh38, 1-based): chr13:36,335,420, C>T on the plus strand (G>A on the coding strand, the complement: SPART is on the minus strand). VCF-style: chr13-36335420-C-T. GRCh37 (hg19) VCF-style: chr13-36909557-C-T.
Other names: c.411G>A, p.Gln137= (NM_001142294.2, NM_001142295.2, NM_001142296.2).
Identifiers: ClinVar variation 1624350 (VCV001624350.33), dbSNP rs201850329, ClinGen allele CA6949643.
Genomic context (GRCh38, chr13:36,335,420, plus strand): 5'-AGCAGGTGCAGCAACTGCCCCTGCACTTGGAGTTGAGGTGTTTCCATTTACTTCAGCATG[C>T]TGAGGAGCTGAACTAAAAGACTGAGGCTCTGGTAATTTTTCACACATGTCTTTAGGTGGA-3'
Protein context (NP_055902.1, residues 127-147): PEPQSFSSAP[Gln137=]HAEVNGNTST

ClinVar aggregate classification (germline): Likely benign. Review status: criteria provided, multiple submitters, no conflicts (2 of 4 stars). 3 submissions from 3 submitters: Likely benign (3). Last evaluated 2025-03-17.

Allele frequency attached by ClinVar (database versions not stated): gnomAD exomes 0.00007 and 0.00004; ExAC 0.00010; 1000 Genomes Project 30x 0.00016; 1000 Genomes Project 0.00020; TOPMed 0.00005; gnomAD 0.00007.
gnomAD v4.1: 70 of 1,614,082 alleles (0.0043%); highest among the groups gnomAD compares: Middle Eastern, 0.066%; no homozygotes.

Submissions (3):

Labcorp Genetics (formerly Invitae), Labcorp
Classification: Likely benign. Last evaluated: 2025-03-17. Review status: criteria provided, single submitter. Criteria: Invitae Variant Classification Sherloc (09022015). Collection method: clinical testing. Allele origin: germline.

CeGaT Center for Human Genetics Tuebingen
Classification: Likely benign. Last evaluated: 2023-02-01. Review status: criteria provided, single submitter. Criteria: CeGaT Center For Human Genetics Tuebingen Variant Classification Criteria Version 2. Collection method: clinical testing. Allele origin: germline. Affected: yes. Observed: 1 variant allele.
Comment: SPART: BP4, BP7

Breakthrough Genomics
Classification: Likely benign. Review status: criteria provided, single submitter. Criteria: ACMG Guidelines, 2015. Collection method: not provided. Allele origin: germline. Inheritance: Autosomal recessive inheritance. Affected: yes.